The following is an entry in ClinVar:

NM_001904.4(CTNNB1):c.1155C>A (p.Leu385=)

Gene: CTNNB1 (catenin beta 1; plus strand). Cytogenetic location: 3p22.1.
Variant type: single nucleotide variant.
Coding change: c.1155C>A on transcript NM_001904.4 (MANE Select); coding-DNA position 1155, C replaced by A.
Protein change: p.Leu385=; no amino-acid change (leucine 385 retained).
Molecular consequence: synonymous variant.
Genome position (GRCh38, 1-based): chr3:41,233,414, C>A. VCF-style: chr3-41233414-C-A. GRCh37 (hg19) VCF-style: chr3-41274905-C-A.
Other names: c.1155C>A, p.Leu385= (NM_001098209.2, NM_001098210.2); c.1134C>A, p.Leu378= (NM_001330729.2).
Identifiers: ClinVar variation 731212 (VCV000731212.38), dbSNP rs74692094, ClinGen allele CA2331039.

ClinVar aggregate classification (germline): Benign/Likely benign. Review status: criteria provided, multiple submitters, no conflicts (2 of 4 stars). 6 submissions from 6 submitters: Benign (2); Likely benign (3). 1 of the submissions does not count toward it. Last evaluated 2026-02-03.

Conditions:
Exudative vitreoretinopathy 7. Identifiers: MedGen C4539767, MONDO:0033123, OMIM 617572.
Ovarian neoplasm. Also called: Ovarian Neoplasms; Ovarian tumor; Neoplasm of ovary. Identifiers: MedGen C0919267, MeSH D010051, MONDO:0021068, HP:0100615.
Medulloblastoma (MDB). Also called: Medulloblastoma, somatic; MEDULLOBLASTOMA PREDISPOSITION SYNDROME. Identifiers: Orphanet 616, MedGen C0025149, MeSH D008527, MONDO:0007959, OMIM 155255, HP:0002885.
Severe intellectual disability-progressive spastic diplegia syndrome (NEDSDV). Also called: NEURODEVELOPMENTAL DISORDER WITH SPASTIC DIPLEGIA AND VISUAL DEFECTS; CTNNB1 Neurodevelopmental Disorder. Identifiers: Orphanet 404473, MedGen C3554449, MONDO:0014035, OMIM 615075.
Pilomatrixoma (PTR). Also called: EPITHELIOMA CALCIFICANS OF MALHERBE; PILOMATRICOMA; Pilomatricoma, somatic. Identifiers: Orphanet 91414, MedGen C0206711, MeSH D018296, MONDO:0007564, OMIM 132600, HP:0030434.
Hepatocellular carcinoma (HCC). Also called: Primary carcinoma of liver; HEPATOMA; LIVER CELL CARCINOMA. Identifiers: Orphanet 88673, MedGen C2239176, MONDO:0007256, OMIM 114550, HP:0001402.
Colorectal cancer. Also called: Malignant Colorectal Neoplasm; Colorectal cancer, somatic. Identifiers: MedGen C0346629, MONDO:0005575, OMIM 114500.

Allele frequency attached by ClinVar (database versions not stated): gnomAD 0.00041; 1000 Genomes Project 30x 0.00047; TOPMed 0.00047; 1000 Genomes Project 0.00060.
gnomAD v4.1: 399 of 1,614,170 alleles (0.025%); highest among the groups gnomAD compares: East Asian, 0.68%; 1 homozygote.

Submissions (6):

Labcorp Genetics (formerly Invitae), Labcorp
Classification: Benign. Last evaluated: 2026-02-03. Review status: criteria provided, single submitter. Criteria: Invitae Variant Classification Sherloc (09022015). Collection method: clinical testing. Allele origin: germline.

CeGaT Center for Human Genetics Tuebingen
Classification: Likely benign. Last evaluated: 2025-11-01. Review status: criteria provided, single submitter. Criteria: CeGaT Center For Human Genetics Tuebingen Variant Classification Criteria Version 2. Collection method: clinical testing. Allele origin: germline. Affected: yes. Observed: 2 variant alleles.
Comment: CTNNB1: BP4, BP7

Blueprint Genetics
Classification: Likely benign. Last evaluated: 2024-05-20. Review status: criteria provided, single submitter. Criteria: ACMG Guidelines, 2015. Collection method: clinical testing. Allele origin: germline.

Fulgent Genetics
Classification: Likely benign for Colorectal cancer; Hepatocellular carcinoma; Pilomatrixoma; Medulloblastoma; Ovarian cancer; Severe intellectual disability-progressive spastic diplegia syndrome; Exudative vitreoretinopathy 7. Last evaluated: 2022-02-25. Review status: criteria provided, single submitter. Criteria: ACMG Guidelines, 2015. Collection method: clinical testing. Allele origin: unknown.

GeneDx
Classification: Benign. Last evaluated: 2020-03-31. Review status: criteria provided, single submitter. Criteria: GeneDx Variant Classification Process June 2021. Collection method: clinical testing. Allele origin: germline. Affected: yes.

Genetic Services Laboratory, University of Chicago
Classification: Benign. Last evaluated: 2022-09-21. Review status: no assertion criteria provided. Collection method: clinical testing. Allele origin: germline. Affected: no. Not counted in ClinVar's aggregate classification.